The following is an entry in ClinVar:

ClinVar aggregate classification (germline): Likely benign (1 of 4 stars; one submission).

Submission:

CeGaT Center for Human Genetics Tuebingen
Classification: Likely benign. Last evaluated: 2026-01-01. Review status: criteria provided, single submitter. Criteria: CeGaT Center For Human Genetics Tuebingen Variant Classification Criteria Version 2. Collection method: clinical testing. Allele origin: germline. Affected: yes. Observed: 2 variant alleles.
Comment: TPSAB1: PM2:Supporting, BP4, BP7

NM_003294.4(TPSAB1):c.84A>G (p.Arg28=)

Gene: TPSAB1 (tryptase alpha/beta 1; plus strand). Cytogenetic location: 16p13.3.
Variant type: single nucleotide variant.
Coding change: c.84A>G on transcript NM_003294.4 (MANE Select); coding-DNA position 84, A replaced by G.
Protein change: p.Arg28=; no amino-acid change (arginine 28 retained).
Molecular consequence: synonymous variant.
Genome position (GRCh38, 1-based): chr16:1,241,175, A>G. VCF-style: chr16-1241175-A-G. GRCh37 (hg19) VCF-style: chr16-1291176-A-G.
Identifiers: ClinVar variation 4534291 (VCV004534291.6).